The following is an entry in ClinVar:

NM_004370.6(COL12A1):c.8366del (p.Gly2789fs)

Gene: COL12A1 (collagen type XII alpha 1 chain; minus strand). Cytogenetic location: 6q13.
Variant type: Deletion.
Coding change: c.8366del on transcript NM_004370.6 (MANE Select); coding-DNA position 8366, one base deleted (G; older notation c.8366delG).
Protein change: p.Gly2789fs; shifts the reading frame from glycine 2789.
Molecular consequence: frameshift variant.
Genome position (GRCh38, 1-based): chr6:75,102,646, C deleted on the plus strand (G on the coding strand, the reverse complement: COL12A1 is on the minus strand); the first of 3 consecutive C bases (chr6:75,102,646-75,102,648); deleting any one gives the same sequence. VCF-style (leftmost placement, unchanged base first): chr6-75102645-AC-A. GRCh37 (hg19) VCF-style: chr6-75812361-AC-A.
Other names: c.8366del, p.Gly2789fs (NM_001424113.1); c.8345del, p.Gly2782fs (NM_001424114.1); c.8093del, p.Gly2698fs (NM_001424115.1); c.4874del, p.Gly1625fs (NM_001424116.1, NM_080645.3); short protein forms G2782fs, G2698fs, G1625fs, G2789fs.
Identifiers: ClinVar variation 2926367 (VCV002926367.3), dbSNP rs1411117952, ClinGen allele CA828074770.

ClinVar aggregate classification (germline): Pathogenic (1 of 4 stars; one submission).

Conditions:
Ullrich congenital muscular dystrophy 2 (UCMD2). Identifiers: Orphanet 75840, MedGen C4225314, MONDO:0014654, OMIM 616470.
Bethlem myopathy 2 (BTHLM2). Identifiers: Orphanet 536516, Orphanet 610, MedGen C4225313, MONDO:0034022, OMIM 616471.

Submission:

Labcorp Genetics (formerly Invitae), Labcorp
Classification: Pathogenic for Bethlem myopathy 2; Ullrich congenital muscular dystrophy 2. Last evaluated: 2023-04-14. Review status: criteria provided, single submitter. Criteria: Invitae Variant Classification Sherloc (09022015). Collection method: clinical testing. Allele origin: germline.
Comment: This sequence change creates a premature translational stop signal (p.Gly2789Valfs*22) in the COL12A1 gene. It is expected to result in an absent or disrupted protein product. Loss-of-function variants in COL12A1 are known to be pathogenic (PMID: 24334604, 28973083). This variant is not present in population databases (gnomAD no frequency). This variant has not been reported in the literature in individuals affected with COL12A1-related conditions. For these reasons, this variant has been classified as Pathogenic.

Literature cited by the submitters: PubMed 24334604; PubMed 28973083.